The following is an entry in ClinVar:

NM_006440.5(TXNRD2):c.1054C>G (p.Pro352Ala)

Gene: TXNRD2 (thioredoxin reductase 2; minus strand). Cytogenetic location: 22q11.21.
Variant type: single nucleotide variant.
Coding change: c.1054C>G on transcript NM_006440.5 (MANE Select); coding-DNA position 1054, C replaced by G.
Protein change: p.Pro352Ala; replaces proline 352 with alanine.
Molecular consequence: missense variant. On other transcripts: non-coding transcript variant (1).
Genome position (GRCh38, 1-based): chr22:19,883,357, G>C on the plus strand (C>G on the coding strand, the complement: TXNRD2 is on the minus strand). VCF-style: chr22-19883357-G-C. GRCh37 (hg19) VCF-style: chr22-19870880-G-C.
Other names: c.1051C>G, p.Pro351Ala (NM_001352300.2); c.964C>G, p.Pro322Ala (NM_001352301.2); c.766C>G, p.Pro256Ala (NM_001352302.2); short protein forms P352A, P322A, P256A, P351A.
Identifiers: ClinVar variation 3710198 (VCV003710198.2).

ClinVar aggregate classification (germline): Uncertain significance (1 of 4 stars; one submission).

Conditions:
Primary dilated cardiomyopathy (DCM). Also called: Dilated Cardiomyopathy. Identifiers: Orphanet 217604, MedGen C0007193, MeSH D002311, MONDO:0005021, HP:0001644. Inheritance: Various modes of inheritance.

Submission:

Labcorp Genetics (formerly Invitae), Labcorp
Classification: Uncertain significance for Primary dilated cardiomyopathy. Last evaluated: 2024-08-28. Review status: criteria provided, single submitter. Criteria: Invitae Variant Classification Sherloc (09022015). Collection method: clinical testing. Allele origin: germline.
Comment: This sequence change replaces proline, which is neutral and non-polar, with alanine, which is neutral and non-polar, at codon 352 of the TXNRD2 protein (p.Pro352Ala). This variant is not present in population databases (gnomAD no frequency). This variant has not been reported in the literature in individuals affected with TXNRD2-related conditions. Invitae Evidence Modeling of protein sequence and biophysical properties (such as structural, functional, and spatial information, amino acid conservation, physicochemical variation, residue mobility, and thermodynamic stability) indicates that this missense variant is not expected to disrupt TXNRD2 protein function with a negative predictive value of 80%. In summary, the available evidence is currently insufficient to determine the role of this variant in disease. Therefore, it has been classified as a Variant of Uncertain Significance.